The following is an entry in ClinVar:

ClinVar aggregate classification (germline): Likely benign. Review status: criteria provided, multiple submitters, no conflicts (2 of 4 stars). 4 submissions from 4 submitters: Likely benign (4). Last evaluated 2025-06-09.

Conditions:
Cardiovascular phenotype. Identifiers: MedGen CN230736.
Cardiomyopathy (CMYO). Also called: Cardiomyopathies. Identifiers: Orphanet 167848, MedGen C0878544, MONDO:0004994, HP:0001638. Inheritance: Various modes of inheritance.
Hypertrophic cardiomyopathy. Also called: HYPERTROPHIC MYOCARDIOPATHY. Identifiers: Orphanet 217569, MedGen C0007194, MeSH D002312, MONDO:0005045, HP:0001639.

Allele frequency attached by ClinVar (database versions not stated): gnomAD exomes below 0.00001; TOPMed 0.00001; gnomAD 0.00001; ExAC 0.00001.
gnomAD v4.1: 8 of 1,614,078 alleles (0.0005%); highest among the groups gnomAD compares: Non-Finnish European, 0.00068%; no homozygotes.

Submissions (4):

Color Diagnostics, LLC DBA Color Health
Classification: Likely benign for Cardiomyopathy. Last evaluated: 2025-06-09. Review status: criteria provided, single submitter. Criteria: ACMG Guidelines, 2015. Collection method: clinical testing. Allele origin: germline.

Labcorp Genetics (formerly Invitae), Labcorp
Classification: Likely benign for Hypertrophic cardiomyopathy. Last evaluated: 2024-03-18. Review status: criteria provided, single submitter. Criteria: Invitae Variant Classification Sherloc (09022015). Collection method: clinical testing. Allele origin: germline.

Ambry Genetics
Classification: Likely benign for Cardiovascular phenotype. Last evaluated: 2023-02-23. Review status: criteria provided, single submitter. Criteria: Ambry Variant Classification Scheme 2023. Collection method: clinical testing. Allele origin: germline.

Laboratory for Molecular Medicine, Mass General Brigham Personalized Medicine
Classification: Likely benign. Last evaluated: 2012-09-13. Review status: criteria provided, single submitter. Criteria: LMM Criteria. Collection method: clinical testing. Allele origin: germline. Observed: 1 variant allele.
Comment: Leu1601Leu in exon 34 of MYH7: This variant is not expected to have clinical sig nificance because it does not alter an amino acid residue and is not located wit hin the splice consensus sequence. Leu1601Leu in exon 34 of MYH7 (allele frequ ency = n/a)

NM_000257.4(MYH7):c.4803G>A (p.Leu1601=)

Genes: MHRT (myosin heavy chain associated RNA transcript; plus strand), MYH7 (myosin heavy chain 7; minus strand), LOC126861897 (BRD4-independent group 4 enhancer GRCh37_chr14:23884455-23885654; plus strand). Cytogenetic location: 14q11.2.
Variant type: single nucleotide variant.
Coding change: c.4803G>A on transcript NM_000257.4 (MANE Select); coding-DNA position 4803, G replaced by A.
Protein change: p.Leu1601=; no amino-acid change (leucine 1601 retained).
Molecular consequence: synonymous variant. On other transcripts: non-coding transcript variant (1).
Genome position (GRCh38, 1-based): chr14:23,416,154, C>T on the plus strand (G>A on the coding strand, the complement: MYH7 is on the minus strand). VCF-style: chr14-23416154-C-T. GRCh37 (hg19) VCF-style: chr14-23885363-C-T.
Identifiers: ClinVar variation 43036 (VCV000043036.16), dbSNP rs397516228, ClinGen allele CA015317.